The following is an entry in ClinVar:

ClinVar aggregate classification (germline): Uncertain significance. Review status: criteria provided, multiple submitters, no conflicts (2 of 4 stars). 5 submissions from 5 submitters: Uncertain significance (4). 1 of the submissions does not count toward it. Last evaluated 2026-04-28.

Conditions:
Cohen syndrome (COH1). Also called: PEPPER SYNDROME; Cutis verticis gyrata, retinitis pigmentosa, and sensorineural deafness. Identifiers: Orphanet 193, MedGen C0265223, MONDO:0008999, OMIM 216550.
Inborn genetic diseases. Identifiers: MedGen C0950123, MeSH D030342.
VPS13B-related disorder. Also called: VPS13B-related condition.

Allele frequency attached by ClinVar (database versions not stated): gnomAD 0.00001; gnomAD exomes 0.00001; TOPMed 0.00001.
gnomAD v4.1: 21 of 1,595,914 alleles (0.0013%); highest among the groups gnomAD compares: Admixed American, 0.0035%; no homozygotes.

Submissions (5):

PreventionGenetics, part of Exact Sciences
Classification: Uncertain significance for VPS13B-related condition. Last evaluated: 2026-04-28. Review status: criteria provided, single submitter. Criteria: ACMG Guidelines, 2015. Collection method: clinical testing. Allele origin: germline.
Comment: The VPS13B c.11143C>T variant is predicted to result in the amino acid substitution p.Arg3715Trp. To our knowledge, this variant has not been reported in the literature. This variant is reported in 0.0021% of alleles in individuals of European (Non-Finnish) descent in gnomAD. At this time, the clinical significance of this variant is uncertain due to the absence of conclusive functional and genetic evidence.

GeneDx
Classification: Uncertain significance. Last evaluated: 2025-04-14. Review status: criteria provided, single submitter. Criteria: GeneDx Variant Classification Process June 2021. Collection method: clinical testing. Allele origin: germline. Affected: yes.
Comment: Not observed at significant frequency in large population cohorts (gnomAD); In silico analysis supports that this missense variant has a deleterious effect on protein structure/function; Has not been previously published as pathogenic or benign to our knowledge

Labcorp Genetics (formerly Invitae), Labcorp
Classification: Uncertain significance for Cohen syndrome. Last evaluated: 2024-01-08. Review status: criteria provided, single submitter. Criteria: Invitae Variant Classification Sherloc (09022015). Collection method: clinical testing. Allele origin: germline.
Comment: This sequence change replaces arginine, which is basic and polar, with tryptophan, which is neutral and slightly polar, at codon 3740 of the VPS13B protein (p.Arg3740Trp). The frequency data for this variant in the population databases is considered unreliable, as metrics indicate poor data quality at this position in the gnomAD database. This variant has not been reported in the literature in individuals affected with VPS13B-related conditions. ClinVar contains an entry for this variant (Variation ID: 528853). Advanced modeling of protein sequence and biophysical properties (such as structural, functional, and spatial information, amino acid conservation, physicochemical variation, residue mobility, and thermodynamic stability) performed at Invitae indicates that this missense variant is expected to disrupt VPS13B protein function with a positive predictive value of 80%. In summary, the available evidence is currently insufficient to determine the role of this variant in disease. Therefore, it has been classified as a Variant of Uncertain Significance.

Ambry Genetics
Classification: Uncertain significance for Inborn genetic diseases. Last evaluated: 2018-04-06. Review status: criteria provided, single submitter. Criteria: Ambry Variant Classification Scheme 2023. Collection method: clinical testing. Allele origin: germline.
Comment: The p.R3740W variant (also known as c.11218C>T), located in coding exon 57 of the VPS13B gene, results from a C to T substitution at nucleotide position 11218. The arginine at codon 3740 is replaced by tryptophan, an amino acid with dissimilar properties. This amino acid position is highly conserved in available vertebrate species. In addition, this alteration is predicted to be deleterious by in silico analysis. Since supporting evidence is limited at this time, the clinical significance of this alteration remains unclear.

Natera, Inc.
Classification: Uncertain significance for Cohen syndrome. Last evaluated: 2020-04-15. Review status: no assertion criteria provided. Collection method: clinical testing. Allele origin: germline. Not counted in ClinVar's aggregate classification.

NM_152564.5(VPS13B):c.11143C>T (p.Arg3715Trp)

Gene: VPS13B (vacuolar protein sorting 13 homolog B; plus strand). Cytogenetic location: 8q22.2.
Variant type: single nucleotide variant.
Coding change: c.11143C>T on transcript NM_152564.5 (MANE Select); coding-DNA position 11143, C replaced by T.
Protein change: p.Arg3715Trp; replaces arginine 3715 with tryptophan.
Molecular consequence: missense variant.
Genome position (GRCh38, 1-based): chr8:99,861,874, C>T. VCF-style: chr8-99861874-C-T. GRCh37 (hg19) VCF-style: chr8-100874102-C-T.
Other names: c.11218C>T, p.Arg3740Trp (NM_017890.5); c.11143C>T (NM_152564.4); short protein forms R3740W, R3715W.
Identifiers: ClinVar variation 528853 (VCV000528853.12), dbSNP rs772640414, ClinGen allele CA182321480.